The following is an entry in ClinVar:

ClinVar aggregate classification (germline): Uncertain significance (1 of 4 stars; one submission).

Conditions:
Congenital myasthenic syndrome 13 (CMS13). Also called: Myasthenic syndrome, congenital, with tubular aggregates 2; Myasthenic syndrome, congenital, 13, with tubular aggregates. Identifiers: Orphanet 353327, Orphanet 590, MedGen C3553645, MONDO:0013883, OMIM 614750.
DPAGT1-congenital disorder of glycosylation. Also called: DPAGT1-CDG; CONGENITAL DISORDER OF GLYCOSYLATION, TYPE Ij; CDG Ij. Identifiers: Orphanet 86309, MedGen C2931004, MONDO:0011964, OMIM 608093.

Submission:

Labcorp Genetics (formerly Invitae), Labcorp
Classification: Uncertain significance for Congenital myasthenic syndrome 13; DPAGT1-congenital disorder of glycosylation. Last evaluated: 2022-09-06. Review status: criteria provided, single submitter. Criteria: Invitae Variant Classification Sherloc (09022015). Collection method: clinical testing. Allele origin: germline.
Comment: In summary, the available evidence is currently insufficient to determine the role of this variant in disease. Therefore, it has been classified as a Variant of Uncertain Significance. Variants that disrupt the consensus splice site are a relatively common cause of aberrant splicing (PMID: 17576681, 9536098). Algorithms developed to predict the effect of sequence changes on RNA splicing suggest that this variant is not likely to affect RNA splicing. This variant has not been reported in the literature in individuals affected with DPAGT1-related conditions. This variant is not present in population databases (gnomAD no frequency). This sequence change falls in intron 7 of the DPAGT1 gene. It does not directly change the encoded amino acid sequence of the DPAGT1 protein. It affects a nucleotide within the consensus splice site.

Literature cited by the submitters: PubMed 17576681; PubMed 9536098.

NM_001382.4(DPAGT1):c.1005+5C>T

Gene: DPAGT1 (dolichyl-phosphate N-acetylglucosaminephosphotransferase 1; minus strand). Cytogenetic location: 11q23.3.
Variant type: single nucleotide variant.
Coding change: c.1005+5C>T on transcript NM_001382.4 (MANE Select); 5 bases into the intron after coding-DNA position 1005, C replaced by T.
Molecular consequence: intron variant.
Genome position (GRCh38, 1-based): chr11:119,097,459, G>A on the plus strand (C>T on the coding strand, the complement: DPAGT1 is on the minus strand). VCF-style: chr11-119097459-G-A. GRCh37 (hg19) VCF-style: chr11-118968169-G-A.
Identifiers: ClinVar variation 1895994 (VCV001895994.4), dbSNP rs2497501126, ClinGen allele CA2580083694.
Genomic context (GRCh38, chr11:119,097,459, plus strand): 5'-TAGGTTCCCCATTCCTCAAGGTCAGGATGGCAGCCTAGGGCCTTACCTCCTTGTTACCCT[G>A]TTACCTTTAAAATAAAGGTGCCCAAGAAAGAGAGGCTCTTGGTCTTGAACTTGGAATAGC-3'